The following is an entry in ClinVar:

NM_000232.5(SGCB):c.753+5G>A

Gene: SGCB (sarcoglycan beta; minus strand). Cytogenetic location: 4q12.
Variant type: single nucleotide variant.
Coding change: c.753+5G>A on transcript NM_000232.5 (MANE Select); 5 bases into the intron after coding-DNA position 753, G replaced by A.
Molecular consequence: intron variant.
Genome position (GRCh38, 1-based): chr4:52,027,963, C>T on the plus strand (G>A on the coding strand, the complement: SGCB is on the minus strand). VCF-style: chr4-52027963-C-T. GRCh37 (hg19) VCF-style: chr4-52894129-C-T.
Identifiers: ClinVar variation 802072 (VCV000802072.7), dbSNP rs936193061, ClinGen allele CA96776231.

ClinVar aggregate classification (germline): Likely pathogenic. Review status: criteria provided, multiple submitters, no conflicts (2 of 4 stars). 3 submissions from 3 submitters: Likely pathogenic (3). Last evaluated 2025-09-05.

Conditions:
Autosomal recessive limb-girdle muscular dystrophy type 2E (LGMDR4). Also called: MUSCULAR DYSTROPHY, LIMB-GIRDLE, AUTOSOMAL RECESSIVE 4. Identifiers: Orphanet 119, MedGen C1858593, MONDO:0011423, OMIM 604286. Disease mechanism: Affects gamma-sarcoglycan and also disrupts the integrity of the entire sarcoglycan complex..

Submissions (3):

Labcorp Genetics (formerly Invitae), Labcorp
Classification: Likely pathogenic for Autosomal recessive limb-girdle muscular dystrophy type 2E. Last evaluated: 2025-09-05. Review status: criteria provided, single submitter. Criteria: Invitae Variant Classification Sherloc (09022015). Collection method: clinical testing. Allele origin: germline.
Comment: This sequence change falls in intron 5 of the SGCB gene. It does not directly change the encoded amino acid sequence of the SGCB protein. It affects a nucleotide within the consensus splice site. This variant is not present in population databases (gnomAD no frequency). This variant has been observed in individual(s) with clinical features of limb-girdle muscular dystrophy (PMID: 31268554; internal data). In at least one individual the data is consistent with being in trans (on the opposite chromosome) from a pathogenic variant. ClinVar contains an entry for this variant (Variation ID: 802072). Variants that disrupt the consensus splice site are a relatively common cause of aberrant splicing (PMID: 17576681, 9536098). Algorithms developed to predict the effect of sequence changes on RNA splicing suggest that this variant may disrupt the consensus splice site. In summary, the currently available evidence indicates that the variant is pathogenic, but additional data are needed to prove that conclusively. Therefore, this variant has been classified as Likely Pathogenic.

GeneDx
Classification: Likely pathogenic. Last evaluated: 2024-06-06. Review status: criteria provided, single submitter. Criteria: GeneDx Variant Classification Process June 2021. Collection method: clinical testing. Allele origin: germline. Affected: yes.
Comment: Reported with a second SGCB variant in a patient with limb-girdle muscular dystrophy in published literature; however, no segregation information was provided (PMID: 31268554); Intronic +5 splice site variant in a gene for which loss of function is a known mechanism of disease, and both splice predictors and evolutionary conservation support a deleterious effect, although in the absence of functional evidence the actual effect of this sequence change is unknown.; Not observed at significant frequency in large population cohorts (gnomAD); This variant is associated with the following publications: (PMID: 19781108, 31268554)

Mendelics
Classification: Likely pathogenic for Autosomal recessive limb-girdle muscular dystrophy type 2E. Last evaluated: 2019-05-28. Review status: criteria provided, single submitter. Criteria: Mendelics Assertion Criteria 2017. Collection method: clinical testing. Allele origin: unknown.

Literature cited by the submitters: PubMed 31268554 (cited by Labcorp Genetics (formerly Invitae), Labcorp); PubMed 17576681 (cited by Labcorp Genetics (formerly Invitae), Labcorp); PubMed 9536098 (cited by Labcorp Genetics (formerly Invitae), Labcorp).